The following is an entry in ClinVar:

ClinVar aggregate classification (germline): Benign/Likely benign. Review status: criteria provided, multiple submitters, no conflicts (2 of 4 stars). 3 submissions from 3 submitters: Benign (2); Likely benign (1). Last evaluated 2026-01-28.

Conditions:
T-B+ severe combined immunodeficiency due to JAK3 deficiency. Also called: SCID, autosomal recessive, T-negative/B-positive type; SCID, T CELL-NEGATIVE, B CELL-POSITIVE, NK CELL-NEGATIVE. Identifiers: Orphanet 35078, MedGen C1833275, MONDO:0010938, OMIM 600802.

Allele frequency attached by ClinVar (database versions not stated): TOPMed 0.00059; ExAC 0.00082; gnomAD exomes 0.00082 and 0.00035; 1000 Genomes Project 30x 0.00203; 1000 Genomes Project 0.00220; gnomAD 0.00035 and 0.00044.
gnomAD v4.1: 573 of 1,614,146 alleles (0.035%); highest among the groups gnomAD compares: East Asian, 1.2%; 4 homozygotes.

Submissions (3):

Labcorp Genetics (formerly Invitae), Labcorp
Classification: Benign for T-B+ severe combined immunodeficiency due to JAK3 deficiency. Last evaluated: 2026-01-28. Review status: criteria provided, single submitter. Criteria: Invitae Variant Classification Sherloc (09022015). Collection method: clinical testing. Allele origin: germline.

Blueprint Genetics
Classification: Likely benign. Last evaluated: 2024-11-14. Review status: criteria provided, single submitter. Criteria: ACMG Guidelines, 2015. Collection method: clinical testing. Allele origin: germline.

Illumina Laboratory Services, Illumina
Classification: Benign for T-B+ severe combined immunodeficiency due to JAK3 deficiency. Last evaluated: 2018-01-13. Review status: criteria provided, single submitter. Criteria: ICSL Variant Classification Criteria 13 December 2019. Collection method: clinical testing. Allele origin: germline.
Comment: This variant was observed in the ICSL laboratory as part of a predisposition screen in an ostensibly healthy population. It had not been previously curated by ICSL or reported in the Human Gene Mutation Database (HGMD: prior to June 1st, 2018), and was therefore a candidate for classification through an automated scoring system. Utilizing variant allele frequency, disease prevalence and penetrance estimates, and inheritance mode, an automated score was calculated to assess if this variant is too frequent to cause the disease. Based on the score and internal cut-off values, a variant classified as benign is not then subjected to further curation. The score for this variant resulted in a classification of benign for this disease.

NM_000215.4(JAK3):c.1453C>T (p.Leu485=)

Gene: JAK3 (Janus kinase 3; minus strand). Cytogenetic location: 19p13.11.
Variant type: single nucleotide variant.
Coding change: c.1453C>T on transcript NM_000215.4 (MANE Select); coding-DNA position 1453, C replaced by T.
Protein change: p.Leu485=; no amino-acid change (leucine 485 retained).
Molecular consequence: synonymous variant.
Genome position (GRCh38, 1-based): chr19:17,838,379, G>A on the plus strand (C>T on the coding strand, the complement: JAK3 is on the minus strand). VCF-style: chr19-17838379-G-A. GRCh37 (hg19) VCF-style: chr19-17949188-G-A.
Identifiers: ClinVar variation 328517 (VCV000328517.14), dbSNP rs55883965, ClinGen allele CA9301874.
Genomic context (GRCh38, chr19:17,838,379, plus strand): 5'-GGGATTGGGGCTGAACCAAGGATGATGTGGGTGGGCTGTGACCTCTCTGGACCACGATCA[G>A]GTTGGACTTTTCTATGGGGAGAGGATGAGGGAGAAAAACCAGAAATCAGAGGTGAAAAGT-3'
Protein context (NP_000206.2, residues 475-495): CIPRPKEKSN[Leu485=]IVVQRGHSPP